The following is an entry in ClinVar:

ClinVar aggregate classification (germline): Likely benign (1 of 4 stars; one submission).

Allele frequency attached by ClinVar (database versions not stated): gnomAD exomes 0.00086; gnomAD 0.00873 and 0.00945; 1000 Genomes Project 0.00938; TOPMed 0.00971; 1000 Genomes Project 30x 0.01015.
gnomAD v4.1: 2,506 of 1,461,760 alleles (0.17%); highest among the groups gnomAD compares: African/African-American, 3.1%; 19 homozygotes.

Submission:

GeneDx
Classification: Likely benign. Last evaluated: 2018-06-19. Review status: criteria provided, single submitter. Criteria: GeneDx Variant Classification (06012015). Collection method: clinical testing. Allele origin: germline. Affected: yes.
Comment: This variant is considered likely benign or benign based on one or more of the following criteria: it is a conservative change, it occurs at a poorly conserved position in the protein, it is predicted to be benign by multiple in silico algorithms, and/or has population frequency not consistent with disease.

NM_153026.3(PRICKLE1):c.588+61A>T

Gene: PRICKLE1 (prickle planar cell polarity protein 1; minus strand). Cytogenetic location: 12q12.
Variant type: single nucleotide variant.
Coding change: c.588+61A>T on transcript NM_153026.3 (MANE Select); 61 bases into the intron after coding-DNA position 588, A replaced by T.
Molecular consequence: intron variant.
Genome position (GRCh38, 1-based): chr12:42,468,565, T>A on the plus strand (A>T on the coding strand, the complement: PRICKLE1 is on the minus strand). VCF-style: chr12-42468565-T-A. GRCh37 (hg19) VCF-style: chr12-42862367-T-A.
Other names: c.588+61A>T (NM_001144883.2, NM_001144882.2, NM_001144881.2).
Identifiers: ClinVar variation 675622 (VCV000675622.1), dbSNP rs114395641, ClinGen allele CA235493485.